The following is an entry in ClinVar:

NM_001122955.4(BSCL2):c.1031C>T (p.Ser344Phe)

Genes: BSCL2 (BSCL2 lipid droplet biogenesis associated, seipin; minus strand), HNRNPUL2-BSCL2 (HNRNPUL2-BSCL2 readthrough (NMD candidate); minus strand). Cytogenetic location: 11q12.3.
Variant type: single nucleotide variant.
Coding change: c.1031C>T on transcript NM_001122955.4 (MANE Select); coding-DNA position 1031, C replaced by T.
Protein change: p.Ser344Phe; replaces serine 344 with phenylalanine.
Molecular consequence: missense variant. On other transcripts: non-coding transcript variant (1).
Genome position (GRCh38, 1-based): chr11:62,691,116, G>A on the plus strand (C>T on the coding strand, the complement: BSCL2 is on the minus strand). VCF-style: chr11-62691116-G-A. GRCh37 (hg19) VCF-style: chr11-62458588-G-A.
Other names: c.697C>T, p.Pro233Ser (NM_001130702.2); c.1031C>T, p.Ser344Phe (NM_001386027.1, NM_001386028.1); c.839C>T, p.Ser280Phe (NM_032667.6); short protein forms S280F, S344F, P233S.
Identifiers: ClinVar variation 210545 (VCV000210545.29), dbSNP rs140676897, ClinGen allele CA205518.

ClinVar aggregate classification (germline): Conflicting classifications of pathogenicity. Review status: criteria provided, conflicting classifications (1 of 4 stars). 8 submissions from 8 submitters: Uncertain significance (5); Uncertain risk allele (1); Likely benign (2). Last evaluated 2025-10-08.

Conditions:
Congenital generalized lipodystrophy type 2 (CGL2). Also called: SEIP SYNDROME; BERARDINELLI SYNDROME; BRUNZELL SYNDROME, BSCL2-RELATED; Berardinelli-Seip Congenital Lipodystrophy Type 2. Identifiers: Orphanet 528, Orphanet 696289, MedGen C1720863, MONDO:0010020, OMIM 269700.
Severe neurodegenerative syndrome with lipodystrophy. Also called: ENCEPHALOPATHY, PROGRESSIVE, WITH LIPODYSTROPHY; Encephalopathy, progressive, with or without lipodystrophy. Identifiers: Orphanet 363400, MedGen C4014700, MONDO:0014402, OMIM 615924.
Hereditary spastic paraplegia 17. Also called: Silver spastic paraplegia syndrome; Spastic Paraplegia 17; Autosomal dominant spastic paraplegia type 17; Silver Syndrome; SPASTIC PARAPLEGIA WITH AMYOTROPHY OF HANDS AND FEET. Identifiers: Orphanet 100998, MedGen C2931276, MONDO:0010043, OMIM 270685.
Neuronopathy, distal hereditary motor, type 5C. Also called: NEURONOPATHY, DISTAL HEREDITARY MOTOR, AUTOSOMAL DOMINANT 13; NEUROPATHY, DISTAL HEREDITARY MOTOR, HARDING TYPE VC; SPINAL MUSCULAR ATROPHY, DISTAL, HARDING TYPE VC; NEURONOPATHY, DISTAL HEREDITARY MOTOR, HARDING TYPE VC; DHMN VC. Identifiers: MedGen C5436838, MONDO:0030860, OMIM 619112.
Monogenic diabetes. Identifiers: Orphanet 183625, MedGen C3888631, MONDO:0015967.
Inborn genetic diseases. Identifiers: MedGen C0950123, MeSH D030342.
Charcot-Marie-Tooth disease type 2. Also called: Charcot-Marie-Tooth type 2. Identifiers: Orphanet 64746, MedGen C0270914, MONDO:0018993.

Allele frequency attached by ClinVar (database versions not stated): gnomAD exomes 0.00002 and 0.00005; ESP Exome Variant Server 0.00031; gnomAD 0.00043 and 0.00039; 1000 Genomes Project 30x 0.00062; ExAC 0.00008; 1000 Genomes Project 0.00040; TOPMed 0.00037.
gnomAD v4.1: 98 of 1,614,188 alleles (0.0061%); highest among the groups gnomAD compares: African/African-American, 0.1%; no homozygotes.

Submissions (8):

Labcorp Genetics (formerly Invitae), Labcorp
Classification: Likely benign for Charcot-Marie-Tooth disease type 2. Last evaluated: 2025-10-08. Review status: criteria provided, single submitter. Criteria: Invitae Variant Classification Sherloc (09022015). Collection method: clinical testing. Allele origin: germline.

Fulgent Genetics
Classification: Likely benign for Congenital generalized lipodystrophy type 2; Hereditary spastic paraplegia 17; Severe neurodegenerative syndrome with lipodystrophy; Neuronopathy, distal hereditary motor, type 5C. Last evaluated: 2024-06-24. Review status: criteria provided, single submitter. Criteria: ACMG Guidelines, 2015. Collection method: clinical testing. Allele origin: germline.

GeneDx
Classification: Uncertain significance. Last evaluated: 2022-12-19. Review status: criteria provided, single submitter. Criteria: GeneDx Variant Classification Process June 2021. Collection method: clinical testing. Allele origin: germline. Affected: yes.
Comment: In silico analysis supports that this missense variant has a deleterious effect on protein structure/function; Has not been previously published as pathogenic or benign to our knowledge

Ambry Genetics
Classification: Uncertain significance for Inborn genetic diseases. Last evaluated: 2022-01-07. Review status: criteria provided, single submitter. Criteria: Ambry Variant Classification Scheme 2023. Collection method: clinical testing. Allele origin: germline.
Comment: The p.S280F variant (also known as c.839C>T), located in coding exon 7 of the BSCL2 gene, results from a C to T substitution at nucleotide position 839. The serine at codon 280 is replaced by phenylalanine, an amino acid with highly dissimilar properties. This amino acid position is conserved. In addition, the in silico prediction for this alteration is inconclusive. Since supporting evidence is limited at this time, the clinical significance of this alteration remains unclear.

New York Genome Center
Classification: Uncertain significance for Severe neurodegenerative syndrome with lipodystrophy. Last evaluated: 2020-11-10. Review status: criteria provided, single submitter. Criteria: NYGC Assertion Criteria 2020. Collection method: clinical testing. Allele origin: germline. Affected: yes. Observed: 1 heterozygote, 1 homozygote.
Comment: The p.Ser344Phe variant has not been reported in affected individuals in the literature. The variant has 0.0001 allele frequency in the gnomAD database (29 out of 282,872 heterozygous alleles) indicating it is a rare allele in the general population. The affected residue is moderately conserved and different in silico tools show conflicting predictions about the potential pathogenicity of this variant.

Personalized Diabetes Medicine Program, University of Maryland School of Medicine
Classification: Uncertain significance for Monogenic diabetes. Last evaluated: 2017-11-10. Review status: criteria provided, single submitter. Criteria: ACMG Guidelines, 2015. Collection method: research. Allele origin: unknown. Observed: 1 variant allele, 1 heterozygote.
Comment: ACMG criteria: PP3 (6 predictors), BP4 (3 predictors), ClinVar calls VUS=VUS

Genetic Services Laboratory, University of Chicago
Classification: Uncertain significance. Last evaluated: 2015-08-06. Review status: criteria provided, single submitter. Criteria: ACMG Guidelines, 2015. Collection method: clinical testing. Allele origin: germline.

Clinical Genomics, Uppaluri K&H Personalized Medicine Clinic
Classification: Uncertain risk allele for Congenital generalized lipodystrophy type 2. Review status: criteria provided, single submitter. Criteria: K And H Uppaluri Personalized Medicine Clinic Variant Classification And Assertion Criteria Updated V 2. Collection method: research. Allele origin: unknown. Inheritance: Autosomal recessive inheritance.
Comment: Potent mutations in BSCL2 gene are associated with Congenital generalized lipodystrophy, type 2, which can present with insulin resistance, fatty liver and diabetes.However, the role of this particular variant rs140676897 of Congenital Generalized Lipodystrophy type 2 remains uncertain

Literature cited by the submitters: PubMed 35351089 (cited by Clinical Genomics, Uppaluri K&H Personalized Medicine Clinic); PubMed 18690553 (cited by Clinical Genomics, Uppaluri K&H Personalized Medicine Clinic); PubMed 31824185 (cited by Clinical Genomics, Uppaluri K&H Personalized Medicine Clinic).